The following is an entry in ClinVar:

ClinVar aggregate classification (germline): Uncertain significance (1 of 4 stars; one submission).

Conditions:
Bardet-Biedl syndrome (BBS). Identifiers: Orphanet 110, MedGen C0752166, MONDO:0015229.

Allele frequency attached by ClinVar (database versions not stated): gnomAD exomes below 0.00001 and 0.00002; TOPMed below 0.00001; ExAC 0.00002.
gnomAD v4.1: 8 of 1,614,142 alleles (0.0005%); highest among the groups gnomAD compares: South Asian, 0.0011%; no homozygotes.

Submission:

Labcorp Genetics (formerly Invitae), Labcorp
Classification: Uncertain significance for Bardet-Biedl syndrome. Last evaluated: 2021-11-06. Review status: criteria provided, single submitter. Criteria: Invitae Variant Classification Sherloc (09022015). Collection method: clinical testing. Allele origin: germline.
Comment: This sequence change replaces glutamic acid, which is acidic and polar, with glycine, which is neutral and non-polar, at codon 411 of the BBS10 protein (p.Glu411Gly). This variant is present in population databases (rs760904517, gnomAD 0.003%). This variant has not been reported in the literature in individuals affected with BBS10-related conditions. Algorithms developed to predict the effect of missense changes on protein structure and function (SIFT, PolyPhen-2, Align-GVGD) all suggest that this variant is likely to be tolerated. In summary, the available evidence is currently insufficient to determine the role of this variant in disease. Therefore, it has been classified as a Variant of Uncertain Significance.

NM_024685.4(BBS10):c.1232A>G (p.Glu411Gly)

Gene: BBS10 (Bardet-Biedl syndrome 10; minus strand). Cytogenetic location: 12q21.2.
Variant type: single nucleotide variant.
Coding change: c.1232A>G on transcript NM_024685.4 (MANE Select); coding-DNA position 1232, A replaced by G.
Protein change: p.Glu411Gly; replaces glutamic acid 411 with glycine.
Molecular consequence: missense variant.
Genome position (GRCh38, 1-based): chr12:76,346,753, T>C on the plus strand (A>G on the coding strand, the complement: BBS10 is on the minus strand). VCF-style: chr12-76346753-T-C. GRCh37 (hg19) VCF-style: chr12-76740533-T-C.
Other names: short protein forms E411G.
Identifiers: ClinVar variation 1448860 (VCV001448860.3), dbSNP rs760904517, ClinGen allele CA6694202.